The following is an entry in ClinVar:

NM_000338.3(SLC12A1):c.524_525del (p.Val175fs)

Gene: SLC12A1 (solute carrier family 12 member 1; plus strand). Cytogenetic location: 15q21.1.
Variant type: Microsatellite.
Coding change: c.524_525del on transcript NM_000338.3 (MANE Select); coding-DNA positions 524 to 525, 2 bases deleted (TG; older notation c.524_525delTG).
Protein change: p.Val175fs; shifts the reading frame from valine 175.
Molecular consequence: frameshift variant.
Genome position (GRCh38, 1-based): chr15:48,220,737-48,220,738, TG deleted; deleting any 2 consecutive bases within chr15:48,220,735-48,220,738 gives the same sequence; the c. name uses the placement nearest the transcript's 3' end. VCF-style (leftmost placement, unchanged base first): chr15-48220734-TTG-T. GRCh37 (hg19) VCF-style: chr15-48512931-TTG-T.
Other names: c.524_525del, p.Val175fs (NM_001184832.2, NM_001384136.1); short protein forms V175fs.
Identifiers: ClinVar variation 2765181 (VCV002765181.3), dbSNP rs2505026251, ClinGen allele CA2697549088.

ClinVar aggregate classification (germline): Pathogenic (1 of 4 stars; one submission).

Submission:

Labcorp Genetics (formerly Invitae), Labcorp
Classification: Pathogenic. Last evaluated: 2023-06-04. Review status: criteria provided, single submitter. Criteria: Invitae Variant Classification Sherloc (09022015). Collection method: clinical testing. Allele origin: germline.
Comment: This sequence change creates a premature translational stop signal (p.Val175Glufs*61) in the SLC12A1 gene. It is expected to result in an absent or disrupted protein product. Loss-of-function variants in SLC12A1 are known to be pathogenic (PMID: 8640224, 9585600, 19096086). For these reasons, this variant has been classified as Pathogenic. This variant has not been reported in the literature in individuals affected with SLC12A1-related conditions. This variant is not present in population databases (gnomAD no frequency).

Literature cited by the submitters: PubMed 8640224; PubMed 9585600; PubMed 19096086.